The following is an entry in ClinVar:

ClinVar aggregate classification (germline): Likely pathogenic (1 of 4 stars; one submission).

Conditions:
Becker muscular dystrophy (BMD). Also called: MUSCULAR DYSTROPHY, PSEUDOHYPERTROPHIC PROGRESSIVE, BECKER TYPE; Becker Muscular Dystrophy (BMD). Identifiers: Orphanet 98895, MedGen C0917713, MONDO:0010311, OMIM 300376.

Submission:

Institute of Human Genetics, University of Leipzig Medical Center
Classification: Likely pathogenic for Becker muscular dystrophy. Last evaluated: 2022-08-30. Review status: criteria provided, single submitter. Criteria: ACMG Guidelines, 2015. Collection method: clinical testing. Allele origin: de novo. Affected: yes.
Comment: Despite strong evidence for its pathogenicity, this variant has to be classified as of unknown significance, according to the ACMG-criteria (Richards et al., 2015)_x000D_ Criteria applied: PM4, PS4_MOD, PM2_SUP

NM_004006.3:c.(2292+1_2293-1)_(2622+1_2623-1)del

Gene: DMD (dystrophin; minus strand).
Variant type: Deletion.
Other names: c.(2292+1_2293-1)_(2622+1_2623-1)del (NM_004006.3).
Identifiers: ClinVar variation 1707522 (VCV001707522.1).